The following is an entry in ClinVar:

ClinVar aggregate classification (germline): Pathogenic/Likely pathogenic. Review status: criteria provided, multiple submitters, no conflicts (2 of 4 stars). 2 submissions from 2 submitters: Pathogenic (1); Likely pathogenic (1). Last evaluated 2023-04-10.

Conditions:
Cone-rod dystrophy 6 (CORD6). Also called: RETINAL CONE DYSTROPHY 2; Cone dystrophy progressive. Identifiers: Orphanet 1872, MedGen C1866293, MONDO:0011143, OMIM 601777.
Choroidal dystrophy, central areolar, 1. Identifiers: Orphanet 75377, MedGen C4551884, MONDO:0024539, OMIM 215500.
Night blindness, congenital stationary, type1i. Also called: NIGHT BLINDNESS, CONGENITAL STATIONARY, TYPE 1I. Identifiers: MedGen C5231408, MONDO:0032811, OMIM 618555.
Leber congenital amaurosis 1 (LCA1). Also called: RETINAL BLINDNESS, CONGENITAL; AMAUROSIS CONGENITA OF LEBER I; Congenital absence of the rods and cones; Leber's congenital tapetoretinal degeneration; Leber's congenital tapetoretinal dysplasia. Identifiers: Orphanet 65, MedGen C2931258, MONDO:0008764, OMIM 204000.

Allele frequency attached by ClinVar (database versions not stated): gnomAD 0.00002; ExAC 0.00003.
gnomAD v4.1: 3 of 1,613,142 alleles (0.00019%); highest among the groups gnomAD compares: African/African-American, 0.004%; no homozygotes.

Submissions (2):

Labcorp Genetics (formerly Invitae), Labcorp
Classification: Pathogenic for Leber congenital amaurosis 1; Cone-rod dystrophy 6. Last evaluated: 2023-04-10. Review status: criteria provided, single submitter. Criteria: Invitae Variant Classification Sherloc (09022015). Collection method: clinical testing. Allele origin: germline.
Comment: This sequence change creates a premature translational stop signal (p.Glu254*) in the GUCY2D gene. It is expected to result in an absent or disrupted protein product. Loss-of-function variants in GUCY2D are known to be pathogenic (PMID: 10951519, 11328726). This variant is present in population databases (rs756730335, gnomAD 0.02%). This variant has not been reported in the literature in individuals affected with GUCY2D-related conditions. ClinVar contains an entry for this variant (Variation ID: 1459421). For these reasons, this variant has been classified as Pathogenic.

Fulgent Genetics
Classification: Likely pathogenic for Leber congenital amaurosis 1; Choroidal dystrophy, central areolar, 1; Cone-rod dystrophy 6; Night blindness, congenital stationary, type1i. Last evaluated: 2021-09-03. Review status: criteria provided, single submitter. Criteria: ACMG Guidelines, 2015. Collection method: clinical testing. Allele origin: unknown.

Literature cited by the submitters: PubMed 10951519 (cited by Labcorp Genetics (formerly Invitae), Labcorp); PubMed 11328726 (cited by Labcorp Genetics (formerly Invitae), Labcorp).

NM_000180.4(GUCY2D):c.760G>T (p.Glu254Ter)

Gene: GUCY2D (guanylate cyclase 2D, retinal; plus strand). Cytogenetic location: 17p13.1.
Variant type: single nucleotide variant.
Coding change: c.760G>T on transcript NM_000180.4 (MANE Select); coding-DNA position 760, G replaced by T.
Protein change: p.Glu254Ter; replaces glutamic acid 254 with a stop codon.
Molecular consequence: nonsense.
Genome position (GRCh38, 1-based): chr17:8,003,890, G>T. VCF-style: chr17-8003890-G-T. GRCh37 (hg19) VCF-style: chr17-7907208-G-T.
Other names: short protein forms E254*.
Identifiers: ClinVar variation 1459421 (VCV001459421.7), dbSNP rs756730335, ClinGen allele CA8365567.